The following is an entry in ClinVar:

NM_007254.4(PNKP):c.737C>A (p.Pro246His)

Gene: PNKP (polynucleotide kinase 3'-phosphatase; minus strand). Cytogenetic location: 19q13.33.
Variant type: single nucleotide variant.
Coding change: c.737C>A on transcript NM_007254.4 (MANE Select); coding-DNA position 737, C replaced by A.
Protein change: p.Pro246His; replaces proline 246 with histidine.
Molecular consequence: missense variant.
Genome position (GRCh38, 1-based): chr19:49,863,971, G>T on the plus strand (C>A on the coding strand, the complement: PNKP is on the minus strand). VCF-style: chr19-49863971-G-T. GRCh37 (hg19) VCF-style: chr19-50367228-G-T.
Other names: c.737C>A (NM_007254.3); short protein forms P246H.
Identifiers: ClinVar variation 1923600 (VCV001923600.7), dbSNP rs753142417, ClinGen allele CA9586818.

ClinVar aggregate classification (germline): Uncertain significance. Review status: criteria provided, multiple submitters, no conflicts (2 of 4 stars). 2 submissions from 2 submitters: Uncertain significance (2). Last evaluated 2023-11-20.

Conditions:
Developmental and epileptic encephalopathy, 12 (DEE12). Identifiers: MedGen C3150988, MONDO:0013389, OMIM 613722.

Allele frequency attached by ClinVar (database versions not stated): ExAC 0.00002.
gnomAD v4.1: 7 of 1,612,630 alleles (0.00043%); highest among the groups gnomAD compares: East Asian, 0.011%; no homozygotes.

Submissions (2):

Revvity Omics, Revvity
Classification: Uncertain significance. Last evaluated: 2023-11-20. Review status: criteria provided, single submitter. Criteria: ACMG Guidelines, 2015. Collection method: clinical testing. Allele origin: germline.

Labcorp Genetics (formerly Invitae), Labcorp
Classification: Uncertain significance for Developmental and epileptic encephalopathy, 12. Last evaluated: 2022-07-09. Review status: criteria provided, single submitter. Criteria: Invitae Variant Classification Sherloc (09022015). Collection method: clinical testing. Allele origin: germline.
Comment: In summary, the available evidence is currently insufficient to determine the role of this variant in disease. Therefore, it has been classified as a Variant of Uncertain Significance. Algorithms developed to predict the effect of missense changes on protein structure and function (SIFT, PolyPhen-2, Align-GVGD) all suggest that this variant is likely to be disruptive. This variant has not been reported in the literature in individuals affected with PNKP-related conditions. This variant is present in population databases (rs753142417, gnomAD 0.02%). This sequence change replaces proline, which is neutral and non-polar, with histidine, which is basic and polar, at codon 246 of the PNKP protein (p.Pro246His).